The following is an entry in ClinVar:

ClinVar aggregate classification (germline): Uncertain significance. Review status: criteria provided, multiple submitters, no conflicts (2 of 4 stars). 4 submissions from 4 submitters: Uncertain significance (4). Last evaluated 2025-09-24.

Conditions:
CD320-related disorder. Also called: CD320-related condition.
Methylmalonic acidemia due to transcobalamin receptor defect (MATR). Also called: METHYLMALONIC ACIDURIA, TRANSIENT, DUE TO TRANSCOBALAMIN RECEPTOR DEFECT; METHYLMALONIC ACIDEMIA, TCblR TYPE. Identifiers: Orphanet 280183, MedGen C4749905, MONDO:0013341, OMIM 613646.

Allele frequency attached by ClinVar (database versions not stated): ESP Exome Variant Server 0.00015; 1000 Genomes Project 0.00020; 1000 Genomes Project 30x 0.00031.

Submissions (4):

Mayo Clinic Laboratories, Mayo Clinic
Classification: Uncertain significance. Last evaluated: 2025-09-24. Review status: criteria provided, single submitter. Criteria: ACMG Guidelines, 2015. Collection method: clinical testing. Allele origin: germline. Observed: 1 variant allele.
Comment: BP4

Labcorp Genetics (formerly Invitae), Labcorp
Classification: Uncertain significance for Methylmalonic acidemia due to transcobalamin receptor defect. Last evaluated: 2024-12-10. Review status: criteria provided, single submitter. Criteria: Invitae Variant Classification Sherloc (09022015). Collection method: clinical testing. Allele origin: germline.
Comment: This sequence change replaces arginine, which is basic and polar, with leucine, which is neutral and non-polar, at codon 129 of the CD320 protein (p.Arg129Leu). This variant is present in population databases (rs139064611, gnomAD 0.04%). This missense change has been observed in individual(s) with transcobalamin receptor deficiency (PMID: 34978764). ClinVar contains an entry for this variant (Variation ID: 1416159). An algorithm developed to predict the effect of missense changes on protein structure and function (PolyPhen-2) suggests that this variant is likely to be tolerated. In summary, the available evidence is currently insufficient to determine the role of this variant in disease. Therefore, it has been classified as a Variant of Uncertain Significance.

PreventionGenetics, part of Exact Sciences
Classification: Uncertain significance for CD320-related condition. Last evaluated: 2024-11-09. Review status: criteria provided, single submitter. Criteria: ACMG Guidelines, 2015. Collection method: clinical testing. Allele origin: germline.
Comment: The CD320 c.386G>T variant is predicted to result in the amino acid substitution p.Arg129Leu. This variant has been reported in the compound heterozygous state in two asymptomatic individuals ascertained through newborn screening (Pappas et al. 2022. PubMed ID: 34978764). This variant is reported in 0.042% of alleles in individuals of European (Non-Finnish) descent in gnomAD. At this time, the clinical significance of this variant is uncertain due to the absence of conclusive functional and genetic evidence.

Breakthrough Genomics
Classification: Uncertain significance. Review status: criteria provided, single submitter. Criteria: ACMG Guidelines, 2015. Collection method: not provided. Allele origin: germline. Inheritance: Autosomal recessive inheritance. Affected: yes.

Literature cited by the submitters: PubMed 34978764 (cited by Mayo Clinic Laboratories, Mayo Clinic and Labcorp Genetics (formerly Invitae), Labcorp); PubMed 35107211 (cited by Mayo Clinic Laboratories, Mayo Clinic).

NM_016579.4(CD320):c.386G>T (p.Arg129Leu)

Gene: CD320 (CD320 molecule; minus strand). Cytogenetic location: 19p13.2.
Variant type: single nucleotide variant.
Coding change: c.386G>T on transcript NM_016579.4 (MANE Select); coding-DNA position 386, G replaced by T.
Protein change: p.Arg129Leu; replaces arginine 129 with leucine.
Molecular consequence: missense variant.
Genome position (GRCh38, 1-based): chr19:8,303,971, C>A on the plus strand (G>T on the coding strand, the complement: CD320 is on the minus strand). VCF-style: chr19-8303971-C-A. GRCh37 (hg19) VCF-style: chr19-8368855-C-A.
Other names: p.Arg129Leu; c.260G>T, p.Arg87Leu (NM_001165895.2); c.386G>T (NM_016579.3); short protein forms R129L, R87L.
Identifiers: ClinVar variation 1416159 (VCV001416159.9), dbSNP rs139064611, ClinGen allele CA9154753.
Genomic context (GRCh38, chr19:8,303,971, plus strand): 5'-GTGAGTGGAATGCAGTCATCGCTCAGCGTGCAACGGAGCTCGCCTGCTAGGCAGGCCAGG[C>A]GGCTGCAGTTGCGCAGTTTCTTGTCAGTTCCCCCAGAGCAGTCACTGACGCCGGTGCAGG-3'
Protein context (NP_057663.1, residues 119-139): GTDKKLRNCS[Arg129Leu]LACLAGELRC